The following is an entry in ClinVar:

ClinVar aggregate classification (germline): Conflicting classifications of pathogenicity. Review status: criteria provided, conflicting classifications (1 of 4 stars). 7 submissions from 7 submitters: Uncertain significance (2); Likely benign (3). 2 of the submissions do not count toward it. Last evaluated 2025-12-22.

Conditions:
VPS13B-related disorder. Also called: VPS13B-related condition.
Inborn genetic diseases. Identifiers: MedGen C0950123, MeSH D030342.
Cohen syndrome (COH1). Also called: PEPPER SYNDROME; Cutis verticis gyrata, retinitis pigmentosa, and sensorineural deafness. Identifiers: Orphanet 193, MedGen C0265223, MONDO:0008999, OMIM 216550.

Allele frequency attached by ClinVar (database versions not stated): gnomAD exomes 0.00006 and 0.00015; ExAC 0.00012; TOPMed 0.00012; gnomAD 0.00017 and 0.00018.
gnomAD v4.1: 101 of 1,482,842 alleles (0.0068%); highest among the groups gnomAD compares: Admixed American, 0.1%; no homozygotes.

Submissions (7):

Labcorp Genetics (formerly Invitae), Labcorp
Classification: Likely benign for Cohen syndrome. Last evaluated: 2025-12-22. Review status: criteria provided, single submitter. Criteria: Invitae Variant Classification Sherloc (09022015). Collection method: clinical testing. Allele origin: germline.

Blueprint Genetics
Classification: Likely benign. Last evaluated: 2024-10-14. Review status: criteria provided, single submitter. Criteria: ACMG Guidelines, 2015. Collection method: clinical testing. Allele origin: germline.

Revvity Omics, Revvity
Classification: Uncertain significance for Cohen syndrome. Last evaluated: 2019-08-07. Review status: criteria provided, single submitter. Criteria: ACMG Guidelines, 2015. Collection method: clinical testing. Allele origin: germline.

Illumina Laboratory Services, Illumina
Classification: Uncertain significance for Cohen syndrome. Last evaluated: 2018-01-12. Review status: criteria provided, single submitter. Criteria: ICSL Variant Classification Criteria 13 December 2019. Collection method: clinical testing. Allele origin: germline.

Ambry Genetics
Classification: Likely benign for Inborn genetic diseases. Last evaluated: 2017-05-31. Review status: criteria provided, single submitter. Criteria: Ambry Variant Classification Scheme 2023. Collection method: clinical testing. Allele origin: germline.

PreventionGenetics, part of Exact Sciences
Classification: Likely benign for VPS13B-related condition. Last evaluated: 2023-01-12. Review status: no assertion criteria provided. Collection method: clinical testing. Allele origin: germline. Not counted in ClinVar's aggregate classification.
Comment: This variant is classified as likely benign based on ACMG/AMP sequence variant interpretation guidelines (Richards et al. 2015 PMID: 25741868, with internal and published modifications).

Natera, Inc.
Classification: Likely benign for Cohen syndrome. Last evaluated: 2020-04-15. Review status: no assertion criteria provided. Collection method: clinical testing. Allele origin: germline. Not counted in ClinVar's aggregate classification.

NM_152564.5(VPS13B):c.9369C>T (p.Cys3123=)

Gene: VPS13B (vacuolar protein sorting 13 homolog B; plus strand). Cytogenetic location: 8q22.2.
Variant type: single nucleotide variant.
Coding change: c.9369C>T on transcript NM_152564.5 (MANE Select); coding-DNA position 9369, C replaced by T.
Protein change: p.Cys3123=; no amino-acid change (cysteine 3123 retained).
Molecular consequence: synonymous variant.
Genome position (GRCh38, 1-based): chr8:99,832,407, C>T. VCF-style: chr8-99832407-C-T. GRCh37 (hg19) VCF-style: chr8-100844635-C-T.
Other names: c.9444C>T, p.Cys3148= (NM_017890.5); c.9369C>T (NM_152564.4).
Identifiers: ClinVar variation 361081 (VCV000361081.27), dbSNP rs745668942, ClinGen allele CA4824700.